The following is an entry in ClinVar:

ClinVar aggregate classification (germline): Uncertain significance (1 of 4 stars; one submission).

Allele frequency attached by ClinVar (database versions not stated): gnomAD 0.00001; gnomAD exomes 0.00002; ExAC 0.00003.
gnomAD v4.1: 14 of 1,537,500 alleles (0.00091%); highest among the groups gnomAD compares: South Asian, 0.018%; no homozygotes.

Submission:

Labcorp Genetics (formerly Invitae), Labcorp
Classification: Uncertain significance. Last evaluated: 2022-03-27. Review status: criteria provided, single submitter. Criteria: Invitae Variant Classification Sherloc (09022015). Collection method: clinical testing. Allele origin: germline.
Comment: In summary, the available evidence is currently insufficient to determine the role of this variant in disease. Therefore, it has been classified as a Variant of Uncertain Significance. Variants that disrupt the consensus splice site are a relatively common cause of aberrant splicing (PMID: 17576681, 9536098). Algorithms developed to predict the effect of sequence changes on RNA splicing suggest that this variant is not likely to affect RNA splicing. This variant has not been reported in the literature in individuals affected with FREM1-related conditions. This variant is present in population databases (rs775587953, gnomAD 0.03%). This sequence change falls in intron 19 of the FREM1 gene. It does not directly change the encoded amino acid sequence of the FREM1 protein. It affects a nucleotide within the consensus splice site.

Literature cited by the submitters: PubMed 17576681; PubMed 9536098.

NM_001379081.2(FREM1):c.3275-3T>C

Gene: FREM1 (FRAS1 related extracellular matrix 1; minus strand). Cytogenetic location: 9p22.3.
Variant type: single nucleotide variant.
Coding change: c.3275-3T>C on transcript NM_001379081.2 (MANE Select); 3 bases into the intron before coding-DNA position 3275, T replaced by C.
Molecular consequence: intron variant.
Genome position (GRCh38, 1-based): chr9:14,805,155, A>G on the plus strand (T>C on the coding strand, the complement: FREM1 is on the minus strand). VCF-style: chr9-14805155-A-G. GRCh37 (hg19) VCF-style: chr9-14805153-A-G.
Other names: c.3275-3T>C (NM_144966.7).
Identifiers: ClinVar variation 2118046 (VCV002118046.4), dbSNP rs775587953, ClinGen allele CA4990609.